The following is an entry in ClinVar:

NM_000264.5(PTCH1):c.*1+229G>A

Gene: PTCH1 (patched 1; minus strand). Cytogenetic location: 9q22.32.
Variant type: single nucleotide variant.
Coding change: c.*1+229G>A on transcript NM_000264.5 (MANE Select); 229 bases into the intron after 1 bases downstream of the stop codon, G replaced by A.
Molecular consequence: intron variant.
Genome position (GRCh38, 1-based): chr9:95,446,682, C>T on the plus strand (G>A on the coding strand, the complement: PTCH1 is on the minus strand). VCF-style: chr9-95446682-C-T. GRCh37 (hg19) VCF-style: chr9-98208964-C-T.
Other names: NC_000009.11:g.98208964C>T; c.*1+229G>A (NM_001083603.3, NM_001083602.3, NM_001354918.2 and 4 more transcripts).
Identifiers: ClinVar variation 677075 (VCV000677075.2), dbSNP rs111532669, ClinGen allele CA196556766.

ClinVar aggregate classification (germline): Likely benign (1 of 4 stars; one submission).

Allele frequency attached by ClinVar (database versions not stated): 1000 Genomes Project 30x 0.00640; gnomAD 0.01760 and 0.01820; gnomAD exomes 0.02049; 1000 Genomes Project 0.00559; TOPMed 0.01415.
gnomAD v4.1: 12,306 of 623,676 alleles (2%); highest among the groups gnomAD compares: Non-Finnish European, 2.6%; 173 homozygotes.

Submissions (3):

GeneDx
Classification: Likely benign. Last evaluated: 2018-06-20. Review status: criteria provided, single submitter. Criteria: GeneDx Variant Classification (06012015). Collection method: clinical testing. Allele origin: germline. Affected: yes.
Comment: This variant is considered likely benign or benign based on one or more of the following criteria: it is a conservative change, it occurs at a poorly conserved position in the protein, it is predicted to be benign by multiple in silico algorithms, and/or has population frequency not consistent with disease.

Dr. Peter K. Rogan Lab, Western University
No classification provided (evidence only). Condition: Uterine corpus endometrial carcinoma. Review status: no classification provided. Collection method: in vitro. Allele origin: not applicable. Functional consequence: retained intron. Not counted in ClinVar's aggregate classification.

Dr. Peter K. Rogan Lab, Western University
No classification provided (evidence only). Condition: Thymoma. Review status: no classification provided. Collection method: in vitro. Allele origin: not applicable. Functional consequence: retained intron. Not counted in ClinVar's aggregate classification.